The following is an entry in ClinVar:

ClinVar aggregate classification (germline): Uncertain significance. Review status: criteria provided, multiple submitters, no conflicts (2 of 4 stars). 2 submissions from 2 submitters: Uncertain significance (2). Last evaluated 2023-07-28.

Allele frequency attached by ClinVar (database versions not stated): ExAC 0.00002; gnomAD 0.00004; gnomAD exomes 0.00004; TOPMed 0.00004.
gnomAD v4.1: 39 of 1,613,222 alleles (0.0024%); highest among the groups gnomAD compares: Non-Finnish European, 0.00034%; no homozygotes.

Submissions (2):

GeneDx
Classification: Uncertain significance. Last evaluated: 2023-07-28. Review status: criteria provided, single submitter. Criteria: GeneDx Variant Classification Process June 2021. Collection method: clinical testing. Allele origin: germline. Affected: yes.
Comment: Has not been previously published as pathogenic or benign to our knowledge; In silico analysis supports that this missense variant does not alter protein structure/function

Labcorp Genetics (formerly Invitae), Labcorp
Classification: Uncertain significance. Last evaluated: 2021-08-11. Review status: criteria provided, single submitter. Criteria: Invitae Variant Classification Sherloc (09022015). Collection method: clinical testing. Allele origin: germline.
Comment: This sequence change replaces valine with leucine at codon 43 of the STN1 protein (p.Val43Leu). The valine residue is highly conserved and there is a small physicochemical difference between valine and leucine. This variant is present in population databases (rs780839582, ExAC 0.003%). This variant has not been reported in the literature in individuals affected with STN1-related conditions. Algorithms developed to predict the effect of missense changes on protein structure and function are either unavailable or do not agree on the potential impact of this missense change (SIFT: "Deleterious"; PolyPhen-2: "Benign"; Align-GVGD: "Class C0"). In summary, the available evidence is currently insufficient to determine the role of this variant in disease. Therefore, it has been classified as a Variant of Uncertain Significance.

NM_024928.5(STN1):c.127G>T (p.Val43Leu)

Gene: STN1 (STN1 subunit of CST complex; minus strand). Cytogenetic location: 10q24.33.
Variant type: single nucleotide variant.
Coding change: c.127G>T on transcript NM_024928.5 (MANE Select); coding-DNA position 127, G replaced by T.
Protein change: p.Val43Leu; replaces valine 43 with leucine.
Molecular consequence: missense variant.
Genome position (GRCh38, 1-based): chr10:103,917,468, C>A on the plus strand (G>T on the coding strand, the complement: STN1 is on the minus strand). VCF-style: chr10-103917468-C-A. GRCh37 (hg19) VCF-style: chr10-105677226-C-A.
Other names: c.127G>T (NM_024928.4); short protein forms V43L.
Identifiers: ClinVar variation 1522701 (VCV001522701.4), dbSNP rs780839582, ClinGen allele CA5676736.